The following is an entry in ClinVar:

ClinVar aggregate classification (germline): Likely benign (1 of 4 stars; one submission).

Conditions:
Ehlers-Danlos syndrome, type 4 (EDSVASC). Also called: Ehlers-Danlos Syndrome Type IV; Ehlers-Danlos syndrome vascular type; Ehlers Danlos syndrome, ecchymotic type; Ehlers Danlos syndrome, arterial type; Ehlers Danlos syndrome, Sack-Barabas type. Identifiers: Orphanet 286, MedGen C0268338, MONDO:0017314, OMIM 130050.

Submission:

All of Us Research Program, National Institutes of Health
Classification: Likely benign for Ehlers-Danlos syndrome, type 4. Last evaluated: 2023-07-10. Review status: criteria provided, single submitter. Criteria: ACMG Guidelines, 2015. Collection method: clinical testing. Allele origin: germline. Inheritance: Autosomal dominant inheritance. Observed: 1 variant allele, 1 heterozygote.
Comment: This study involves interpretation of variants in research participants for the purpose of population health screening. Participant phenotype was not available at the time of variant classification. Additional details can be found in publication PMID: 35346344, PMCID: PMC8962531

NM_000090.4(COL3A1):c.2415T>G (p.Pro805=)

Genes: COL3A1 (collagen type III alpha 1 chain; plus strand), LOC126806446 (P300/CBP strongly-dependent group 1 enhancer GRCh37_chr2:189866210-189867409; plus strand). Cytogenetic location: 2q32.2.
Variant type: single nucleotide variant.
Coding change: c.2415T>G on transcript NM_000090.4 (MANE Select); coding-DNA position 2415, T replaced by G.
Protein change: p.Pro805=; no amino-acid change (proline 805 retained).
Molecular consequence: synonymous variant.
Genome position (GRCh38, 1-based): chr2:189,002,321, T>G. VCF-style: chr2-189002321-T-G. GRCh37 (hg19) VCF-style: chr2-189867047-T-G.
Identifiers: ClinVar variation 3072419 (VCV003072419.1), dbSNP rs1197771741, ClinGen allele CA430311243.